The following is an entry in ClinVar:

NM_138694.4(PKHD1):c.257del (p.Leu86fs)

Gene: PKHD1 (PKHD1 ciliary IPT domain containing fibrocystin/polyductin; minus strand). Cytogenetic location: 6p12.2.
Variant type: Deletion.
Coding change: c.257del on transcript NM_138694.4 (MANE Select); coding-DNA position 257, one base deleted (T; older notation c.257delT).
Protein change: p.Leu86fs; shifts the reading frame from leucine 86.
Molecular consequence: frameshift variant.
Genome position (GRCh38, 1-based): chr6:52,082,416, A deleted on the plus strand (T on the coding strand, the reverse complement: PKHD1 is on the minus strand); the first of 3 consecutive A bases (chr6:52,082,416-52,082,418); deleting any one gives the same sequence. VCF-style (leftmost placement, unchanged base first): chr6-52082415-CA-C. GRCh37 (hg19) VCF-style: chr6-51947213-CA-C.
Other names: c.257del, p.Leu86fs (NM_170724.3); c.257del (NM_138694.3); short protein forms L86fs.
Identifiers: ClinVar variation 2677856 (VCV002677856.3), dbSNP rs2533758684, ClinGen allele CA2695198887.

ClinVar aggregate classification (germline): Likely pathogenic. Review status: criteria provided, multiple submitters, no conflicts (2 of 4 stars). 2 submissions from 2 submitters: Likely pathogenic (2). Last evaluated 2025-01-30.

Conditions:
Polycystic kidney disease 4 (PKD4). Also called: POLYCYSTIC KIDNEY AND HEPATIC DISEASE 1; POLYCYSTIC KIDNEY DISEASE, INFANTILE, TYPE I; PKD3; POLYCYSTIC KIDNEY DISEASE 4 WITH OR WITHOUT POLYCYSTIC LIVER DISEASE; Autosomal Recessive Polycystic Kidney Disease – PKHD1. Identifiers: MedGen C4540575, MONDO:0033004, OMIM 263200.
Autosomal recessive polycystic kidney disease (ARPKD). Also called: AR polycystic kidney disease. Identifiers: Orphanet 731, Orphanet 8378, MedGen C0085548, MeSH D017044, MONDO:0009889.

Submissions (2):

Natera, Inc.
Classification: Likely pathogenic for Autosomal recessive polycystic kidney disease. Last evaluated: 2025-01-30. Review status: criteria provided, single submitter. Criteria: Natera Variant Classification Schema (03/2026). Collection method: clinical testing. Allele origin: germline.
Comment: The c.257del variant in PKHD1 is a frameshift variant predicted to shift the reading frame beginning at codon 86 and leads to a stop codon 4 codons downstream. This variant is expected to result in nonsense mediated decay, truncation, or a dysfunctional protein product. This variant is rare in the general population with a frequency below the threshold expected for the associated phenotype(s). Given the available evidence, this variant is classified as Likely Pathogenic.

Baylor Genetics
Classification: Likely pathogenic for Polycystic kidney disease 4. Last evaluated: 2022-11-30. Review status: criteria provided, single submitter. Criteria: ACMG Guidelines, 2015. Collection method: clinical testing. Allele origin: unknown.